The following is an entry in ClinVar:

NM_024675.4(PALB2):c.2767G>T (p.Val923Phe)

Gene: PALB2 (partner and localizer of BRCA2; minus strand). Cytogenetic location: 16p12.2.
Variant type: single nucleotide variant.
Coding change: c.2767G>T on transcript NM_024675.4 (MANE Select); coding-DNA position 2767, G replaced by T.
Protein change: p.Val923Phe; replaces valine 923 with phenylalanine.
Molecular consequence: missense variant.
Genome position (GRCh38, 1-based): chr16:23,624,076, C>A on the plus strand (G>T on the coding strand, the complement: PALB2 is on the minus strand). VCF-style: chr16-23624076-C-A. GRCh37 (hg19) VCF-style: chr16-23635397-C-A.
Other names: short protein forms V923F.
Identifiers: ClinVar variation 918282 (VCV000918282.14), dbSNP rs767165391, ClinGen allele CA7963487.

ClinVar aggregate classification (germline): Uncertain significance. Review status: criteria provided, multiple submitters, no conflicts (2 of 4 stars). 2 submissions from 2 submitters: Uncertain significance (2). Last evaluated 2022-06-13.

Conditions:
Familial cancer of breast. Also called: BREAST CANCER, FAMILIAL; Hereditary breast cancer; hereditary breast carcinoma. Identifiers: Orphanet 227535, MedGen C0346153, MONDO:0016419, OMIM 114480. Disease mechanism: loss of function.
Hereditary cancer-predisposing syndrome. Also called: Neoplastic Syndromes, Hereditary; Tumor predisposition; Hereditary Cancer Syndrome; Hereditary neoplastic syndrome. Identifiers: Orphanet 140162, MedGen C0027672, MeSH D009386, MONDO:0015356.

Allele frequency attached by ClinVar (database versions not stated): gnomAD exomes below 0.00001; ExAC 0.00001.
gnomAD v4.1: 1 of 1,607,320 alleles (0.000062%); highest among the groups gnomAD compares: Non-Finnish European, 0.000085%; no homozygotes.

Submissions (2):

Color Diagnostics, LLC DBA Color Health
Classification: Uncertain significance for Hereditary cancer-predisposing syndrome. Last evaluated: 2022-06-13. Review status: criteria provided, single submitter. Criteria: ACMG Guidelines, 2015. Collection method: clinical testing. Allele origin: germline.
Comment: This missense variant replaces valine with phenylalanine at codon 923 of the PALB2 protein. Computational prediction tool suggests that this variant may not impact protein structure and function (internally defined REVEL score threshold <=0.5, PMID: 27666373). Splice site prediction tools suggest that this variant may not impact RNA splicing. To our knowledge, functional studies have not been performed for this variant. This variant has been detected in a breast cancer case-control meta-analysis in 0/60466 cases and 1/53461 unaffected individuals (PMID: 33471991; Leiden Open Variation Database DB-ID PALB2_010838). This variant has been identified in 1/250444 chromosomes in the general population by the Genome Aggregation Database (gnomAD). The available evidence is insufficient to determine the role of this variant in disease conclusively. Therefore, this variant is classified as a Variant of Uncertain Significance.

Labcorp Genetics (formerly Invitae), Labcorp
Classification: Uncertain significance for Familial cancer of breast. Last evaluated: 2021-08-06. Review status: criteria provided, single submitter. Criteria: Invitae Variant Classification Sherloc (09022015). Collection method: clinical testing. Allele origin: germline.
Comment: In summary, the available evidence is currently insufficient to determine the role of this variant in disease. Therefore, it has been classified as a Variant of Uncertain Significance. Algorithms developed to predict the effect of missense changes on protein structure and function are either unavailable or do not agree on the potential impact of this missense change (SIFT: "Tolerated"; PolyPhen-2: "Probably Damaging"; Align-GVGD: "Class C0"). This variant has not been reported in the literature in individuals with PALB2-related conditions. ClinVar contains an entry for this variant (Variation ID: 918282). This variant is present in population databases (rs767165391, ExAC 0.002%). This sequence change replaces valine with phenylalanine at codon 923 of the PALB2 protein (p.Val923Phe). The valine residue is moderately conserved and there is a small physicochemical difference between valine and phenylalanine.

Literature cited by the submitters: PubMed 33471991 (cited by Color Diagnostics, LLC DBA Color Health).